The following is an entry in ClinVar:

NM_001040716.2(PC):c.118G>C (p.Val40Leu)

Gene: PC (pyruvate carboxylase; minus strand). Cytogenetic location: 11q13.2.
Variant type: single nucleotide variant.
Coding change: c.118G>C on transcript NM_001040716.2 (MANE Select); coding-DNA position 118, G replaced by C.
Protein change: p.Val40Leu; replaces valine 40 with leucine.
Molecular consequence: missense variant.
Genome position (GRCh38, 1-based): chr11:66,872,042, C>G on the plus strand (G>C on the coding strand, the complement: PC is on the minus strand). VCF-style: chr11-66872042-C-G. GRCh37 (hg19) VCF-style: chr11-66639513-C-G.
Other names: c.118G>C, p.Val40Leu (NM_000920.4, NM_022172.3); short protein forms V40L.
Identifiers: ClinVar variation 1309683 (VCV001309683.6), dbSNP rs2135943669, ClinGen allele CA381503426.

ClinVar aggregate classification (germline): Uncertain significance. Review status: criteria provided, multiple submitters, no conflicts (2 of 4 stars). 2 submissions from 2 submitters: Uncertain significance (2). Last evaluated 2022-05-05.

Conditions:
Pyruvate carboxylase deficiency. Also called: LEIGH NECROTIZING ENCEPHALOPATHY DUE TO PYRUVATE CARBOXYLASE DEFICIENCY; LEIGH SYNDROME DUE TO PYRUVATE CARBOXYLASE DEFICIENCY; ATAXIA WITH LACTIC ACIDOSIS II; PC DEFICIENCY; Pyruvate Carboxylase Deficiency Disease. Identifiers: Orphanet 3008, MedGen C0034341, MONDO:0009949, OMIM 266150.

Submissions (2):

Labcorp Genetics (formerly Invitae), Labcorp
Classification: Uncertain significance for Pyruvate carboxylase deficiency. Last evaluated: 2022-05-05. Review status: criteria provided, single submitter. Criteria: Invitae Variant Classification Sherloc (09022015). Collection method: clinical testing. Allele origin: germline.
Comment: This sequence change replaces valine, which is neutral and non-polar, with leucine, which is neutral and non-polar, at codon 40 of the PC protein (p.Val40Leu). This variant is not present in population databases (gnomAD no frequency). This variant has not been reported in the literature in individuals affected with PC-related conditions. ClinVar contains an entry for this variant (Variation ID: 1309683). Algorithms developed to predict the effect of missense changes on protein structure and function are either unavailable or do not agree on the potential impact of this missense change (SIFT: "Deleterious"; PolyPhen-2: "Benign"; Align-GVGD: "Class C0"). In summary, the available evidence is currently insufficient to determine the role of this variant in disease. Therefore, it has been classified as a Variant of Uncertain Significance.

GeneDx
Classification: Uncertain significance. Last evaluated: 2019-11-06. Review status: criteria provided, single submitter. Criteria: GeneDx Variant Classification Process June 2021. Collection method: clinical testing. Allele origin: germline. Affected: yes.
Comment: Not observed in large population cohorts (Lek et al., 2016); In silico analysis, which includes protein predictors and evolutionary conservation, supports that this variant does not alter protein structure/function; Has not been previously published as pathogenic or benign to our knowledge